The following is an entry in ClinVar:

NM_001267550.2(TTN):c.83575A>G (p.Lys27859Glu)

Genes: TTN (titin; minus strand), TTN-AS1 (TTN antisense RNA 1; plus strand). Cytogenetic location: 2q31.2.
Variant type: single nucleotide variant.
Coding change: c.83575A>G on transcript NM_001267550.2 (MANE Select); coding-DNA position 83575, A replaced by G.
Protein change: p.Lys27859Glu; replaces lysine 27859 with glutamic acid.
Molecular consequence: missense variant.
Genome position (GRCh38, 1-based): chr2:178,562,557, T>C on the plus strand (A>G on the coding strand, the complement: TTN is on the minus strand). VCF-style: chr2-178562557-T-C. GRCh37 (hg19) VCF-style: chr2-179427284-T-C.
Other names: c.75871A>G, p.Lys25291Glu (NM_133378.4); c.78652A>G, p.Lys26218Glu (NM_001256850.1); c.56380A>G, p.Lys18794Glu (NM_003319.4); c.56755A>G, p.Lys18919Glu (NM_133432.3); c.56956A>G, p.Lys18986Glu (NM_133437.4); short protein forms K25291E, K27859E, K18919E, K18986E, K26218E, K18794E.
Identifiers: ClinVar variation 229530 (VCV000229530.11), dbSNP rs761633407, ClinGen allele CA1988902.
Genomic context (GRCh38, chr2:178,562,557, plus strand): 5'-TATTACGGGTCACATCAACAAGAGTTACTCTTCCAGGTGGGAGGGGTGGTTCAGACACTT[T>C]AACGGGTTCTGTTGTTTCAGCTGGCAAACCAATCCCATATTCATTGGAAGCCAAGACTCG-3'
Protein context (NP_001254479.2, residues 27849-27869): GLPAETTEPV[Lys27859Glu]VSEPPLPPGR

ClinVar aggregate classification (germline): Conflicting classifications of pathogenicity. Review status: criteria provided, conflicting classifications (1 of 4 stars). 4 submissions from 4 submitters: Uncertain significance (3); Likely benign (1). Last evaluated 2025-12-03.

Conditions:
Autosomal recessive limb-girdle muscular dystrophy type 2J (LGMDR10). Also called: Limb-girdle muscular dystrophy, type 2J; MUSCULAR DYSTROPHY, LIMB-GIRDLE, AUTOSOMAL RECESSIVE 10. Identifiers: Orphanet 140922, MedGen C1837342, MONDO:0012127, OMIM 608807.
Dilated cardiomyopathy 1G (CMD1G). Identifiers: Orphanet 154, MedGen C1858763, MONDO:0011400, OMIM 604145.

Allele frequency attached by ClinVar (database versions not stated): gnomAD exomes 0.00002 and 0.00007; gnomAD 0.00003; TOPMed 0.00006; ExAC 0.00007.
gnomAD v4.1: 40 of 1,610,952 alleles (0.0025%); highest among the groups gnomAD compares: East Asian, 0.065%; no homozygotes.

Submissions (4):

Women's Health and Genetics/Laboratory Corporation of America, LabCorp
Classification: Likely benign. Last evaluated: 2025-12-03. Review status: criteria provided, single submitter. Criteria: LabCorp Variant Classification Summary - May 2015. Collection method: clinical testing. Allele origin: germline.
Comment: Variant summary: TTN c.75871A>G (p.Lys25291Glu) results in a conservative amino acid change located in the A-band region of the encoded protein sequence. Algorithms developed to predict the effect of missense changes on protein structure and function are either unavailable or do not agree on the potential impact of this missense change. The variant allele was found at a frequency of 7.3e-05 in 245848 control chromosomes, predominantly at a frequency of 0.00095 within the East Asian subpopulation in the gnomAD database. The observed variant frequency within East Asian control individuals in the gnomAD database exceeds the estimated maximal expected allele frequency for disease-causing variants in TTN. To our knowledge, no occurrence of c.75871A>G in individuals affected with TTN-related conditions and no experimental evidence demonstrating its impact on protein function have been reported. ClinVar contains an entry for this variant (Variation ID: 229530). Based on the evidence outlined above, the variant was classified as likely benign.

Revvity Omics, Revvity
Classification: Uncertain significance. Last evaluated: 2023-04-26. Review status: criteria provided, single submitter. Criteria: ACMG Guidelines, 2015. Collection method: clinical testing. Allele origin: germline.

Labcorp Genetics (formerly Invitae), Labcorp
Classification: Uncertain significance for Dilated cardiomyopathy 1G; Autosomal recessive limb-girdle muscular dystrophy type 2J. Last evaluated: 2016-10-05. Review status: criteria provided, single submitter. Criteria: Invitae Variant Classification Sherloc (09022015). Collection method: clinical testing. Allele origin: germline.

Laboratory for Molecular Medicine, Mass General Brigham Personalized Medicine
Classification: Uncertain significance. Last evaluated: 2015-04-01. Review status: criteria provided, single submitter. Criteria: LMM Criteria. Collection method: clinical testing. Allele origin: germline. Observed: 1 variant allele.
Comment: The p.Lys25291Glu variant in TTN has not been previously reported in individuals with cardiomyopathy, but has been identified in 7/8526 East Asian chromosomes b y the Exome Aggregation Consortium (ExAC). Compu tational prediction tools do not provide strong support for or against an impact to the protein. In summary, the clinical significance of the p.Lys25291Glu vari ant is uncertain.